The following is an entry in ClinVar:

ClinVar aggregate classification (germline): Uncertain significance. Review status: criteria provided, multiple submitters, no conflicts (2 of 4 stars). 2 submissions from 2 submitters: Uncertain significance (2). Last evaluated 2025-12-24.

Conditions:
Aortic valve disease 2 (AOVD2). Identifiers: MedGen C3542024, MONDO:0013902, OMIM 614823.
Inborn genetic diseases. Identifiers: MedGen C0950123, MeSH D030342.

gnomAD v4.1: 3 of 1,608,028 alleles (0.00019%); highest among the groups gnomAD compares: Non-Finnish European, 0.00025%; no homozygotes.

Submissions (2):

Ambry Genetics
Classification: Uncertain significance for Inborn genetic diseases. Last evaluated: 2025-12-24. Review status: criteria provided, single submitter. Criteria: Ambry Variant Classification Scheme 2023. Collection method: clinical testing. Allele origin: germline.
Comment: The p.T383M variant (also known as c.1148C>T), located in coding exon 4 of the SMAD6 gene, results from a C to T substitution at nucleotide position 1148. The threonine at codon 383 is replaced by methionine, an amino acid with similar properties. This amino acid position is conserved. In addition, this alteration is predicted to be deleterious by in silico analysis. Based on the available evidence, the clinical significance of this variant remains unclear.

Labcorp Genetics (formerly Invitae), Labcorp
Classification: Uncertain significance for Aortic valve disease 2. Last evaluated: 2025-09-23. Review status: criteria provided, single submitter. Criteria: Invitae Variant Classification Sherloc (09022015). Collection method: clinical testing. Allele origin: germline.
Comment: This sequence change replaces threonine, which is neutral and polar, with methionine, which is neutral and non-polar, at codon 383 of the SMAD6 protein (p.Thr383Met). This variant is not present in population databases (gnomAD no frequency). This variant has not been reported in the literature in individuals affected with SMAD6-related conditions. Invitae Evidence Modeling of protein sequence and biophysical properties (such as structural, functional, and spatial information, amino acid conservation, physicochemical variation, residue mobility, and thermodynamic stability) indicates that this missense variant is not expected to disrupt SMAD6 protein function with a negative predictive value of 80%. In summary, the available evidence is currently insufficient to determine the role of this variant in disease. Therefore, it has been classified as a Variant of Uncertain Significance.

NM_005585.5(SMAD6):c.1148C>T (p.Thr383Met)

Gene: SMAD6 (SMAD family member 6; plus strand). Cytogenetic location: 15q22.31.
Variant type: single nucleotide variant.
Coding change: c.1148C>T on transcript NM_005585.5 (MANE Select); coding-DNA position 1148, C replaced by T.
Protein change: p.Thr383Met; replaces threonine 383 with methionine.
Molecular consequence: missense variant. On other transcripts: non-coding transcript variant (1).
Genome position (GRCh38, 1-based): chr15:66,781,192, C>T. VCF-style: chr15-66781192-C-T. GRCh37 (hg19) VCF-style: chr15-67073530-C-T.
Other names: c.1148C>T (NM_005585.4); short protein forms T383M.
Identifiers: ClinVar variation 4748009 (VCV004748009.2).